The following is an entry in ClinVar:

ClinVar aggregate classification (germline): Benign. Review status: criteria provided, multiple submitters, no conflicts (2 of 4 stars). 3 submissions from 3 submitters: Benign (2). 1 of the submissions does not count toward it. Last evaluated 2018-06-28.

Conditions:
LOXL1-related disorder. Also called: LOXL1-related condition.

Allele frequency attached by ClinVar (database versions not stated): gnomAD exomes 0.00014 and 0.00022; ExAC 0.00033; 1000 Genomes Project 0.00080; ESP Exome Variant Server 0.00126; gnomAD 0.00133 and 0.00145; 1000 Genomes Project 30x 0.00141; TOPMed 0.00145.
gnomAD v4.1: 405 of 1,595,310 alleles (0.025%); highest among the groups gnomAD compares: African/African-American, 0.53%; 4 homozygotes.

Submissions (3):

Labcorp Genetics (formerly Invitae), Labcorp
Classification: Benign. Last evaluated: 2018-06-28. Review status: criteria provided, single submitter. Criteria: Invitae Variant Classification Sherloc (09022015). Collection method: clinical testing. Allele origin: germline.

Breakthrough Genomics
Classification: Benign. Review status: criteria provided, single submitter. Criteria: ACMG Guidelines, 2015. Collection method: not provided. Allele origin: germline. Inheritance: Autosomal dominant inheritance. Affected: yes.

PreventionGenetics, part of Exact Sciences
Classification: Likely benign for LOXL1-related condition. Last evaluated: 2019-09-12. Review status: no assertion criteria provided. Collection method: clinical testing. Allele origin: germline. Not counted in ClinVar's aggregate classification.
Comment: This variant is classified as likely benign based on ACMG/AMP sequence variant interpretation guidelines (Richards et al. 2015 PMID: 25741868, with internal and published modifications).

NM_005576.4(LOXL1):c.432C>T (p.Thr144=)

Genes: LOXL1 (lysyl oxidase like 1; plus strand), LOXL1-AS1 (LOXL1 antisense RNA 1; minus strand). Cytogenetic location: 15q24.1.
Variant type: single nucleotide variant.
Coding change: c.432C>T on transcript NM_005576.4 (MANE Select); coding-DNA position 432, C replaced by T.
Protein change: p.Thr144=; no amino-acid change (threonine 144 retained).
Molecular consequence: synonymous variant.
Genome position (GRCh38, 1-based): chr15:73,927,215, C>T. VCF-style: chr15-73927215-C-T. GRCh37 (hg19) VCF-style: chr15-74219556-C-T.
Identifiers: ClinVar variation 707936 (VCV000707936.6), dbSNP rs140374183, ClinGen allele CA7651547.